The following is an entry in ClinVar:

ClinVar aggregate classification (germline): Uncertain significance (1 of 4 stars; one submission).

Conditions:
Familial hypobetalipoproteinemia 1. Also called: APOB-Related Familial Hypobetalipoproteinemia; Hypobetalipoproteinemia, normotriglyceridemic; Acanthocytosis with hypobetalipoproteinemia. Identifiers: MedGen C4551990, MONDO:0014252, OMIM 615558.
Hypercholesterolemia, autosomal dominant, type B (FHCL2). Also called: Familial Hypercholesterolemia Type B; APOLIPOPROTEIN B-100, FAMILIAL DEFECTIVE; APOLIPOPROTEIN B-100, FAMILIAL LIGAND-DEFECTIVE; HYPERCHOLESTEROLEMIA, FAMILIAL, DUE TO LIGAND-DEFECTIVE APOLIPOPROTEIN B; Hyperlipoproteinemia Type IIb; APOB-Related Familial Hypercholesterolemia, Autosomal Dominant. Identifiers: MedGen C1704417, MONDO:0007751, OMIM 144010.

Allele frequency attached by ClinVar (database versions not stated): TOPMed below 0.00001.

Submission:

Labcorp Genetics (formerly Invitae), Labcorp
Classification: Uncertain significance for Familial hypobetalipoproteinemia 1; Hypercholesterolemia, autosomal dominant, type B. Last evaluated: 2023-07-17. Review status: criteria provided, single submitter. Criteria: Invitae Variant Classification Sherloc (09022015). Collection method: clinical testing. Allele origin: germline.
Comment: In summary, the available evidence is currently insufficient to determine the role of this variant in disease. Therefore, it has been classified as a Variant of Uncertain Significance. Advanced modeling of protein sequence and biophysical properties (such as structural, functional, and spatial information, amino acid conservation, physicochemical variation, residue mobility, and thermodynamic stability) performed at Invitae indicates that this missense variant is not expected to disrupt APOB protein function. ClinVar contains an entry for this variant (Variation ID: 2189782). This variant has not been reported in the literature in individuals affected with APOB-related conditions. This variant is not present in population databases (gnomAD no frequency). This sequence change replaces glutamic acid, which is acidic and polar, with lysine, which is basic and polar, at codon 4223 of the APOB protein (p.Glu4223Lys).

NM_000384.3(APOB):c.12667G>A (p.Glu4223Lys)

Gene: APOB (apolipoprotein B; minus strand). Cytogenetic location: 2p24.1.
Variant type: single nucleotide variant.
Coding change: c.12667G>A on transcript NM_000384.3 (MANE Select); coding-DNA position 12667, G replaced by A.
Protein change: p.Glu4223Lys; replaces glutamic acid 4223 with lysine.
Molecular consequence: missense variant.
Genome position (GRCh38, 1-based): chr2:21,002,755, C>T on the plus strand (G>A on the coding strand, the complement: APOB is on the minus strand). VCF-style: chr2-21002755-C-T. GRCh37 (hg19) VCF-style: chr2-21225627-C-T.
Other names: short protein forms E4223K.
Identifiers: ClinVar variation 2189782 (VCV002189782.4), dbSNP rs1663024333, ClinGen allele CA345970734.